The following is an entry in ClinVar:

NM_000352.6(ABCC8):c.2921-10C>A

Gene: ABCC8 (ATP binding cassette subfamily C member 8; minus strand). Cytogenetic location: 11p15.1.
Variant type: single nucleotide variant.
Coding change: c.2921-10C>A on transcript NM_000352.6 (MANE Select); 10 bases into the intron before coding-DNA position 2921, C replaced by A.
Molecular consequence: intron variant. On other transcripts: non-coding transcript variant (1).
Genome position (GRCh38, 1-based): chr11:17,407,139, G>T on the plus strand (C>A on the coding strand, the complement: ABCC8 is on the minus strand). VCF-style: chr11-17407139-G-T. GRCh37 (hg19) VCF-style: chr11-17428686-G-T.
Other names: c.2918-10C>A (NM_001351297.2); c.2921-10C>A (NM_001351296.2); c.2987-10C>A (NM_001351295.2); c.2924-10C>A (NM_001287174.3).
Identifiers: ClinVar variation 4282350 (VCV004282350.2).

ClinVar aggregate classification (germline): Conflicting classifications of pathogenicity. Review status: criteria provided, conflicting classifications (1 of 4 stars). 2 submissions from 2 submitters: Likely pathogenic (1); Uncertain significance (1). Last evaluated 2026-06-04.

Conditions:
Hyperinsulinemic hypoglycemia, familial, 1 (HHF1). Also called: Persistent hyperinsulinemic hypoglycemia of infancy; HYPERINSULINISM, FAMILIAL, WITH PANCREATIC NESIDIOBLASTOSIS; HYPOGLYCEMIA, HYPERINSULINEMIC, OF INFANCY; NESIDIOBLASTOSIS OF PANCREAS; Persistent Hyperinsulinemia Hypoglycemia of Infancy. Identifiers: Orphanet 276575, Orphanet 276598, MedGen C2931832, MONDO:0009734, OMIM 256450.

Submissions (2):

Myriad Genetics, Inc.
Classification: Uncertain significance for Hyperinsulinemic hypoglycemia, familial, 1. Last evaluated: 2026-06-04. Review status: criteria provided, single submitter. Criteria: Myriad Autosomal Dominant, Autosomal Recessive and X-Linked Classification Criteria (2023). Collection method: clinical testing. Allele origin: unknown.
Comment: NM_000352.3(ABCC8):c.2921-10C>A is an intronic variant classified as a variant of uncertain significance in the context of familial hyperinsulinism, ABCC8-related. c.2921-10C>A has been observed in a case with relevant disease (PMID: 15562009). Relevant functional assessments of this variant are not available in the literature. c.2921-10C>A has not been observed in referenced population frequency databases. In summary, there is insufficient evidence to classify NM_000352.3(ABCC8):c.2921-10C>A as pathogenic or benign. Please note: this variant was assessed in the context of healthy population screening.

GeneDx
Classification: Likely pathogenic. Last evaluated: 2025-04-13. Review status: criteria provided, single submitter. Criteria: GeneDx Variant Classification Process June 2021. Collection method: clinical testing. Allele origin: germline. Affected: yes.
Comment: Reported in a patient with focal hyperinsulinism in published literature (PMID: 15562009); Not observed at significant frequency in large population cohorts (gnomAD); In silico analysis supports a deleterious effect on splicing; This variant is associated with the following publications: (PMID: 15562009)

Literature cited by the submitters: PubMed 15562009 (cited by Myriad Genetics, Inc.).